The following is an entry in ClinVar:

ClinVar aggregate classification (germline): Uncertain significance (1 of 4 stars; one submission).

Submission:

Women's Health and Genetics/Laboratory Corporation of America, LabCorp
Classification: Uncertain significance. Last evaluated: 2025-05-12. Review status: criteria provided, single submitter. Criteria: LabCorp Variant Classification Summary - May 2015. Collection method: clinical testing. Allele origin: germline.
Comment: Variant summary: PTS c.412A>C (p.Asn138His) results in a conservative amino acid change in the encoded protein sequence. Algorithms developed to predict the effect of missense changes on protein structure and function are either unavailable or do not agree on the potential impact of this missense change. The variant allele was found at a frequency of 8e-06 in 250768 control chromosomes. c.412A>C has been observed in one individual affected with 6-Pyruvoyl-Tetrahydropterin Synthase Deficiency (Thony_2006). These data indicate that the variant may be associated with disease. To our knowledge, no experimental evidence demonstrating an impact on protein function has been reported. The following publication has been ascertained in the context of this evaluation (PMID: 16917893). No submitters have cited clinical-significance assessments for this variant to ClinVar. Based on the evidence outlined above, the variant was classified as VUS-possibly pathogenic.

NM_000317.3(PTS):c.412A>C (p.Asn138His)

Gene: PTS (6-pyruvoyltetrahydropterin synthase; plus strand). Cytogenetic location: 11q23.1.
Variant type: single nucleotide variant.
Coding change: c.412A>C on transcript NM_000317.3 (MANE Select); coding-DNA position 412, A replaced by C.
Protein change: p.Asn138His; replaces asparagine 138 with histidine.
Molecular consequence: missense variant.
Genome position (GRCh38, 1-based): chr11:112,233,529, A>C. VCF-style: chr11-112233529-A-C. GRCh37 (hg19) VCF-style: chr11-112104252-A-C.
Other names: short protein forms N138H.
Identifiers: ClinVar variation 3902312 (VCV003902312.1).
Genomic context (GRCh38, chr11:112,233,529, plus strand): 5'-CTCCAGAAAGTTCTTCCTGTAGGAGTTCTTTATAAAGTAAAAGTATACGAAACTGACAAT[A>C]ATATTGTGGTTTATAAAGGAGAATAGCTATTGGGGTTAGCATTGCACAAAGCCCAGTTTC-3'
Protein context (NP_000308.1, residues 128-145): YKVKVYETDN[Asn138His]IVVYKGE